The following is an entry in ClinVar:

ClinVar aggregate classification (germline): Likely benign. Review status: criteria provided, multiple submitters, no conflicts (2 of 4 stars). 3 submissions from 3 submitters: Likely benign (2). 1 of the submissions does not count toward it. Last evaluated 2025-10-13.

Conditions:
Senior-Loken syndrome 7 (SLSN7). Identifiers: Orphanet 3156, MedGen C3150877, MONDO:0013326, OMIM 613615.
Bardet-Biedl syndrome 16 (BBS16). Identifiers: Orphanet 110, MedGen C3889474, MONDO:0014444, OMIM 615993.
SDCCAG8-related disorder. Also called: SDCCAG8-related condition; SDCCAG8-Related Disorders.

Allele frequency attached by ClinVar (database versions not stated): gnomAD exomes 0.00002 and 0.00005; gnomAD 0.00004 and 0.00005; TOPMed 0.00006.
gnomAD v4.1: 78 of 1,606,338 alleles (0.0049%); highest among the groups gnomAD compares: Non-Finnish European, 0.0061%; no homozygotes.

Submissions (3):

Labcorp Genetics (formerly Invitae), Labcorp
Classification: Likely benign for Bardet-Biedl syndrome 16; Senior-Loken syndrome 7. Last evaluated: 2025-10-13. Review status: criteria provided, single submitter. Criteria: Invitae Variant Classification Sherloc (09022015). Collection method: clinical testing. Allele origin: germline.

Blueprint Genetics
Classification: Likely benign. Last evaluated: 2021-03-12. Review status: criteria provided, single submitter. Criteria: ACMG Guidelines, 2015. Collection method: clinical testing. Allele origin: germline.

PreventionGenetics, part of Exact Sciences
Classification: Likely benign for SDCCAG8-related condition. Last evaluated: 2020-11-30. Review status: no assertion criteria provided. Collection method: clinical testing. Allele origin: germline. Not counted in ClinVar's aggregate classification.
Comment: This variant is classified as likely benign based on ACMG/AMP sequence variant interpretation guidelines (Richards et al. 2015 PMID: 25741868, with internal and published modifications).

NM_006642.5(SDCCAG8):c.1752A>G (p.Glu584=)

Gene: SDCCAG8 (SHH signaling and ciliogenesis regulator SDCCAG8; plus strand). Cytogenetic location: 1q43.
Variant type: single nucleotide variant.
Coding change: c.1752A>G on transcript NM_006642.5 (MANE Select); coding-DNA position 1752, A replaced by G.
Protein change: p.Glu584=; no amino-acid change (glutamic acid 584 retained).
Molecular consequence: synonymous variant.
Genome position (GRCh38, 1-based): chr1:243,417,975, A>G. VCF-style: chr1-243417975-A-G. GRCh37 (hg19) VCF-style: chr1-243581277-A-G.
Other names: c.849A>G, p.Glu283= (NM_001350246.2, NM_001350247.2, NM_001350251.2); c.1848A>G, p.Glu616= (NM_001350248.2); c.1458A>G, p.Glu486= (NM_001350249.2).
Identifiers: ClinVar variation 779548 (VCV000779548.13), dbSNP rs1007802384, ClinGen allele CA41008785.